The following is an entry in ClinVar:

NM_019032.6(ADAMTSL4):c.3053G>A (p.Arg1018His)

Genes: ADAMTSL4 (ADAMTS like 4; plus strand), LOC129931410 (ATAC-STARR-seq lymphoblastoid active region 1691; plus strand). Cytogenetic location: 1q21.2.
Variant type: single nucleotide variant.
Coding change: c.3053G>A on transcript NM_019032.6 (MANE Select); coding-DNA position 3053, G replaced by A.
Protein change: p.Arg1018His; replaces arginine 1018 with histidine.
Molecular consequence: missense variant.
Genome position (GRCh38, 1-based): chr1:150,559,870, G>A. VCF-style: chr1-150559870-G-A. GRCh37 (hg19) VCF-style: chr1-150532346-G-A.
Other names: c.2936G>A, p.Arg979His (NM_001288607.2); c.3122G>A, p.Arg1041His (NM_001288608.2); c.3053G>A, p.Arg1018His (NM_001378596.1); c.3053G>A (NM_019032.4); short protein forms R1018H, R1041H, R979H.
Identifiers: ClinVar variation 1426068 (VCV001426068.4), dbSNP rs759216315, ClinGen allele CA1078931.

ClinVar aggregate classification (germline): Uncertain significance. Review status: criteria provided, multiple submitters, no conflicts (2 of 4 stars). 2 submissions from 2 submitters: Uncertain significance (2). Last evaluated 2025-05-05.

Conditions:
Inborn genetic diseases. Identifiers: MedGen C0950123, MeSH D030342.

Allele frequency attached by ClinVar (database versions not stated): gnomAD 0.00005; TOPMed 0.00009; ExAC 0.00012; gnomAD exomes 0.00005 and 0.00007.
gnomAD v4.1: 85 of 1,613,902 alleles (0.0053%); highest among the groups gnomAD compares: Admixed American, 0.035%; no homozygotes.

Submissions (2):

Ambry Genetics
Classification: Uncertain significance for Inborn genetic diseases. Last evaluated: 2025-05-05. Review status: criteria provided, single submitter. Criteria: Ambry Variant Classification Scheme 2023. Collection method: clinical testing. Allele origin: germline.

Labcorp Genetics (formerly Invitae), Labcorp
Classification: Uncertain significance. Last evaluated: 2022-10-18. Review status: criteria provided, single submitter. Criteria: Invitae Variant Classification Sherloc (09022015). Collection method: clinical testing. Allele origin: germline.
Comment: This sequence change replaces arginine, which is basic and polar, with histidine, which is basic and polar, at codon 1018 of the ADAMTSL4 protein (p.Arg1018His). The frequency data for this variant in the population databases is considered unreliable, as metrics indicate poor data quality at this position in the gnomAD database. This variant has not been reported in the literature in individuals affected with ADAMTSL4-related conditions. ClinVar contains an entry for this variant (Variation ID: 1426068). Advanced modeling of protein sequence and biophysical properties (such as structural, functional, and spatial information, amino acid conservation, physicochemical variation, residue mobility, and thermodynamic stability) performed at Invitae indicates that this missense variant is not expected to disrupt ADAMTSL4 protein function. In summary, the available evidence is currently insufficient to determine the role of this variant in disease. Therefore, it has been classified as a Variant of Uncertain Significance.